The following is an entry in ClinVar:

NM_020693.4(DSCAML1):c.3316G>T (p.Val1106Leu)

Gene: DSCAML1 (DS cell adhesion molecule like 1; minus strand). Cytogenetic location: 11q23.3.
Variant type: single nucleotide variant.
Coding change: c.3316G>T on transcript NM_020693.4 (MANE Select); coding-DNA position 3316, G replaced by T.
Protein change: p.Val1106Leu; replaces valine 1106 with leucine.
Molecular consequence: missense variant.
Genome position (GRCh38, 1-based): chr11:117,461,546, C>A on the plus strand (G>T on the coding strand, the complement: DSCAML1 is on the minus strand). VCF-style: chr11-117461546-C-A. GRCh37 (hg19) VCF-style: chr11-117332262-C-A.
Other names: short protein forms V1106L.
Identifiers: ClinVar variation 3648096 (VCV003648096.2).
Genomic context (GRCh38, chr11:117,461,546, plus strand): 5'-AGCCTTTGAGGACGCCATTGAGGGTGCTGCGCGGGGGCTCTGACCAGGAGATGACGGCCA[C>A]GTCAGAAGTGATGGACAGGGCCCGGACGTTCTCAGGGGGCTGGCTGGGCACTGCAGGGGG-3'
Protein context (NP_065744.3, residues 1096-1116): NVRALSITSD[Val1106Leu]AVISWSEPPR

ClinVar aggregate classification (germline): Uncertain significance (1 of 4 stars; one submission).

gnomAD v4.1: 1 of 1,614,108 alleles (0.000062%); highest among the groups gnomAD compares: Non-Finnish European, 0.000085%; no homozygotes.

Submission:

Labcorp Genetics (formerly Invitae), Labcorp
Classification: Uncertain significance. Last evaluated: 2024-03-29. Review status: criteria provided, single submitter. Criteria: Invitae Variant Classification Sherloc (09022015). Collection method: clinical testing. Allele origin: germline.
Comment: This sequence change replaces valine, which is neutral and non-polar, with leucine, which is neutral and non-polar, at codon 1166 of the DSCAML1 protein (p.Val1166Leu). This variant is not present in population databases (gnomAD no frequency). This variant has not been reported in the literature in individuals affected with DSCAML1-related conditions. An algorithm developed to predict the effect of missense changes on protein structure and function (PolyPhen-2) suggests that this variant is likely to be tolerated. In summary, the available evidence is currently insufficient to determine the role of this variant in disease. Therefore, it has been classified as a Variant of Uncertain Significance.